The following is an entry in ClinVar:

ClinVar aggregate classification (germline): Likely benign. Review status: criteria provided, multiple submitters, no conflicts (2 of 4 stars). 2 submissions from 2 submitters: Likely benign (2). Last evaluated 2026-09-01.

gnomAD v4.1: 208 of 1,519,418 alleles (0.014%); highest among the groups gnomAD compares: African/African-American, 0.23%; no homozygotes.

Submissions (2):

CeGaT Center for Human Genetics Tuebingen
Classification: Likely benign. Last evaluated: 2026-09-01. Review status: criteria provided, single submitter. Criteria: CeGaT Center For Human Genetics Tuebingen Variant Classification Criteria Version 2. Collection method: clinical testing. Allele origin: germline. Affected: yes. Observed: 1 variant allele.
Comment: ATP9A: BP4, BP7

Blueprint Genetics
Classification: Likely benign. Last evaluated: 2024-07-11. Review status: criteria provided, single submitter. Criteria: ACMG Guidelines, 2015. Collection method: clinical testing. Allele origin: germline.

NM_006045.3(ATP9A):c.2997C>T (p.His999=)

Gene: ATP9A (ATPase phospholipid transporting 9A; minus strand). Cytogenetic location: 20q13.2.
Variant type: single nucleotide variant.
Coding change: c.2997C>T on transcript NM_006045.3 (MANE Select); coding-DNA position 2997, C replaced by T.
Protein change: p.His999=; no amino-acid change (histidine 999 retained).
Molecular consequence: synonymous variant.
Genome position (GRCh38, 1-based): chr20:51,604,827, G>A on the plus strand (C>T on the coding strand, the complement: ATP9A is on the minus strand). VCF-style: chr20-51604827-G-A. GRCh37 (hg19) VCF-style: chr20-50221366-G-A.
Identifiers: ClinVar variation 4945349 (VCV004945349.2).
Genomic context (GRCh38, chr20:51,604,827, plus strand): 5'-CCAGATTCACTGGGGGTGACGGACGGGGTTTAAGCATTCAGGGGTCTTACCGATGAACTC[G>A]TGTAAGAACACCAGGGAGGCGATGTAGCAGGCCAGGCTGAGCAGCTCCGCCACTGTCATG-3'
Protein context (NP_006036.1, residues 989-1009): ACYIASLVFL[His999=]EFIDVYFIAT